The following is an entry in ClinVar:

NM_001127392.3(MYRF):c.1222_1225dup (p.Gly409fs)

Gene: MYRF (myelin regulatory factor; plus strand). Cytogenetic location: 11q12.2.
Variant type: Duplication.
Coding change: c.1222_1225dup on transcript NM_001127392.3 (MANE Select); coding-DNA positions 1222 to 1225, 4 bases duplicated (ATCG; older notation c.1222_1225dupATCG).
Protein change: p.Gly409fs; shifts the reading frame from glycine 409.
Molecular consequence: frameshift variant.
Genome position (GRCh38, 1-based): chr11:61,774,073-61,774,076, ATCG duplicated. VCF-style (leftmost placement, unchanged base first): chr11-61774072-C-CATCG. GRCh37 (hg19) VCF-style: chr11-61541544-C-CATCG.
Other names: c.1195_1198dup, p.Gly400fs (NM_013279.4); short protein forms G400fs, G409fs.
Identifiers: ClinVar variation 4854337 (VCV004854337.1).
Genomic context (GRCh38, chr11:61,774,072, plus strand): 5'-TTCGGTGGGCGACGACGCCTTTGTGTGCCAGAAGAAGAACCACTTCCAGGTGACAGTGTA[C>CATCG]ATCGGCATGCTGGGCGAGCCCAAGTACGTCAAGACGCCCGAGGGCCTCAAGCCCCTCGAC-3'

ClinVar aggregate classification (germline): Likely pathogenic (1 of 4 stars; one submission).

Conditions:
Cardiac-urogenital syndrome (CUGS). Also called: MYRF-Related Cardiac Urogenital Syndrome. Identifiers: Orphanet 647811, MedGen C4748946, MONDO:0032653, OMIM 618280.

Submission:

3billion
Classification: Likely pathogenic for Cardiac-urogenital syndrome. Last evaluated: 2025-09-09. Review status: criteria provided, single submitter. Criteria: ACMG Guidelines, 2015. Collection method: clinical testing. Allele origin: germline. Affected: yes.
Comment: The variant is not observed in the gnomAD v4.1.0 dataset. Predicted Consequence/Location: Frameshift: predicted to result in a loss or disruption of normal protein function through nonsense-mediated decay (NMD) or protein truncation. Multiple pathogenic variants are reported downstream of the variant. Therefore, this variant is classified as Likely pathogenic according to the recommendation of ACMG/AMP guideline.